The following is an entry in ClinVar:

NM_020297.4(ABCC9):c.2199T>C (p.Asn733=)

Gene: ABCC9 (ATP binding cassette subfamily C member 9; minus strand). Cytogenetic location: 12p12.1.
Variant type: single nucleotide variant.
Coding change: c.2199T>C on transcript NM_020297.4 (MANE Select); coding-DNA position 2199, T replaced by C.
Protein change: p.Asn733=; no amino-acid change (asparagine 733 retained).
Molecular consequence: synonymous variant.
Genome position (GRCh38, 1-based): chr12:21,864,477, A>G on the plus strand (T>C on the coding strand, the complement: ABCC9 is on the minus strand). VCF-style: chr12-21864477-A-G. GRCh37 (hg19) VCF-style: chr12-22017411-A-G.
Other names: c.2199T>C, p.Asn733= (NM_001377273.1, NM_005691.4); c.1335T>C, p.Asn445= (NM_001377274.1).
Identifiers: ClinVar variation 2154657 (VCV002154657.5), dbSNP rs2541249491, ClinGen allele CA478873968.
Genomic context (GRCh38, chr12:21,864,477, plus strand): 5'-CAGGTTAAAATAGAAATAATACCTTCTGGTTGCTTCAAAAGAAGGCTCAGATTCATTTAC[A>G]CTGCAAGTATGGCAAACAATGTTCATTAATTATGAAGTAGAAATATAGAACCAATGTGCA-3'
Protein context (NP_064693.2, residues 723-743): QTLEGKVHWS[Asn733=]VNESEPSFEA

ClinVar aggregate classification (germline): Uncertain significance. Review status: criteria provided, multiple submitters, no conflicts (2 of 4 stars). 2 submissions from 2 submitters: Uncertain significance (2). Last evaluated 2026-09-14.

Conditions:
Dilated cardiomyopathy 1O (CMD1O). Also called: CARDIOMYOPATHY, DILATED, WITH VENTRICULAR TACHYCARDIA. Identifiers: Orphanet 154, MedGen C1837839, MONDO:0012062, OMIM 608569.
Cardiovascular phenotype. Identifiers: MedGen CN230736.

Submissions (2):

Ambry Genetics
Classification: Uncertain significance for Cardiovascular phenotype. Last evaluated: 2026-09-14. Review status: criteria provided, single submitter. Criteria: Ambry Variant Classification Scheme 2023. Collection method: clinical testing. Allele origin: germline.
Comment: The c.2199T>C variant (also known as p.N733N), located in coding exon 17 of the ABCC9 gene, results from a T to C substitution at nucleotide position 2199. This nucleotide substitution does not change the amino acid at codon 733. This nucleotide position is highly conserved in available vertebrate species. In silico splice site analysis for this alteration is inconclusive. Based on the available evidence, the clinical significance of this variant remains unclear.

Labcorp Genetics (formerly Invitae), Labcorp
Classification: Uncertain significance for Dilated cardiomyopathy 1O. Last evaluated: 2022-01-19. Review status: criteria provided, single submitter. Criteria: Invitae Variant Classification Sherloc (09022015). Collection method: clinical testing. Allele origin: germline.
Comment: This variant has not been reported in the literature in individuals affected with ABCC9-related conditions. Algorithms developed to predict the effect of sequence changes on RNA splicing suggest that this variant is not likely to affect RNA splicing. In summary, the available evidence is currently insufficient to determine the role of this variant in disease. Therefore, it has been classified as a Variant of Uncertain Significance. This variant is not present in population databases (gnomAD no frequency). This sequence change affects codon 733 of the ABCC9 mRNA. It is a 'silent' change, meaning that it does not change the encoded amino acid sequence of the ABCC9 protein. It affects a nucleotide within the consensus splice site.